The following is an entry in ClinVar:

ClinVar aggregate classification (germline): Uncertain significance. Review status: criteria provided, multiple submitters, no conflicts (2 of 4 stars). 3 submissions from 3 submitters: Uncertain significance (3). Last evaluated 2024-10-11.

Conditions:
Hereditary cancer-predisposing syndrome. Also called: Hereditary neoplastic syndrome; Hereditary Cancer Syndrome; Neoplastic Syndromes, Hereditary; Tumor predisposition. Identifiers: Orphanet 140162, MedGen C0027672, MeSH D009386, MONDO:0015356.
Familial cancer of breast. Also called: Hereditary breast cancer; BREAST CANCER, FAMILIAL; hereditary breast carcinoma. Identifiers: Orphanet 227535, MedGen C0346153, MONDO:0016419, OMIM 114480. Disease mechanism: loss of function.

Allele frequency attached by ClinVar (database versions not stated): gnomAD exomes below 0.00001.

Submissions (3):

Ambry Genetics
Classification: Uncertain significance for Hereditary cancer-predisposing syndrome. Last evaluated: 2024-10-11. Review status: criteria provided, single submitter. Criteria: Ambry Variant Classification Scheme 2023. Collection method: clinical testing. Allele origin: germline.
Comment: The p.C74S variant (also known as c.221G>C), located in coding exon 3 of the BARD1 gene, results from a G to C substitution at nucleotide position 221. The cysteine at codon 74 is replaced by serine, an amino acid with dissimilar properties. This alteration was identified in an individual diagnosed with breast cancer (Weber-Lassalle N et al. Breast Cancer Res, 2019 Apr;21:55). This amino acid position is highly conserved in available vertebrate species. In addition, this alteration is predicted to be deleterious by in silico analysis. Based on the available evidence, the clinical significance of this variant remains unclear.

Labcorp Genetics (formerly Invitae), Labcorp
Classification: Uncertain significance for Familial cancer of breast. Last evaluated: 2024-07-28. Review status: criteria provided, single submitter. Criteria: Invitae Variant Classification Sherloc (09022015). Collection method: clinical testing. Allele origin: germline.
Comment: This sequence change replaces cysteine, which is neutral and slightly polar, with serine, which is neutral and polar, at codon 74 of the BARD1 protein (p.Cys74Ser). This variant is present in population databases (no rsID available, gnomAD 0.001%). This missense change has been observed in individual(s) with breast cancer, as well as a healthy individual (PMID: 31036035). ClinVar contains an entry for this variant (Variation ID: 230241). An algorithm developed to predict the effect of missense changes on protein structure and function (PolyPhen-2) suggests that this variant is likely to be disruptive. In summary, the available evidence is currently insufficient to determine the role of this variant in disease. Therefore, it has been classified as a Variant of Uncertain Significance.

Color Diagnostics, LLC DBA Color Health
Classification: Uncertain significance for Hereditary cancer-predisposing syndrome. Last evaluated: 2019-01-25. Review status: criteria provided, single submitter. Criteria: ACMG Guidelines, 2015. Collection method: clinical testing. Allele origin: germline.

Literature cited by the submitters: PubMed 31036035 (cited by Ambry Genetics and Labcorp Genetics (formerly Invitae), Labcorp).

NM_000465.4(BARD1):c.221G>C (p.Cys74Ser)

Gene: BARD1 (BRCA1 associated RING domain 1; minus strand). Cytogenetic location: 2q35.
Variant type: single nucleotide variant.
Coding change: c.221G>C on transcript NM_000465.4 (MANE Select); coding-DNA position 221, G replaced by C.
Protein change: p.Cys74Ser; replaces cysteine 74 with serine.
Molecular consequence: missense variant. On other transcripts: non-coding transcript variant (1), intron variant (2).
Genome position (GRCh38, 1-based): chr2:214,792,440, C>G on the plus strand (G>C on the coding strand, the complement: BARD1 is on the minus strand). VCF-style: chr2-214792440-C-G. GRCh37 (hg19) VCF-style: chr2-215657164-C-G.
Other names: c.164G>C, p.Cys55Ser (NM_001282543.2); c.221G>C, p.Cys74Ser (NM_001282549.2); c.158+16972G>C (NM_001282548.2); c.215+4621G>C (NM_001282545.2); short protein forms C74S, C55S.
Identifiers: ClinVar variation 230241 (VCV000230241.20), dbSNP rs876658459, ClinGen allele CA10577856.